The following is an entry in ClinVar:

ClinVar aggregate classification (germline): Pathogenic (1 of 4 stars; one submission).

Conditions:
Inborn genetic diseases. Identifiers: MedGen C0950123, MeSH D030342.

Submission:

Ambry Genetics
Classification: Pathogenic for Inborn genetic diseases. Last evaluated: 2026-04-03. Review status: criteria provided, single submitter. Criteria: Ambry Variant Classification Scheme 2023. Collection method: clinical testing. Allele origin: germline.
Comment: The c.1108dupC pathogenic mutation, located in coding exon 7 of the WT1 gene, results from a duplication of C at nucleotide position 1108, causing a translational frameshift with a predicted alternate stop codon (p.R370Pfs*15). This variant is considered to be rare based on population cohorts in the Genome Aggregation Database (gnomAD). This alteration is expected to result in loss of function by premature protein truncation or nonsense-mediated mRNA decay. As such, this alteration is interpreted as a disease-causing mutation.

NM_024426.6(WT1):c.1123dup (p.Arg375fs)

Gene: WT1 (WT1 transcription factor; minus strand). Cytogenetic location: 11p13.
Variant type: Duplication.
Coding change: c.1123dup on transcript NM_024426.6 (MANE Select); coding-DNA position 1123, one base duplicated (C; older notation c.1123dupC).
Protein change: p.Arg375fs; shifts the reading frame from arginine 375.
Molecular consequence: frameshift variant. On other transcripts: 5 prime UTR variant (1), non-coding transcript variant (2).
Genome position (GRCh38, 1-based): chr11:32,396,398, G duplicated on the plus strand (C on the coding strand, the reverse complement: WT1 is on the minus strand). VCF-style (leftmost placement, unchanged base first): chr11-32396397-C-CG. GRCh37 (hg19) VCF-style: chr11-32417943-C-CG.
Other names: c.1072dup, p.Arg358fs (NM_000378.6, NM_001407045.1, NM_001407048.1 and 1 more transcripts); c.472dup, p.Arg158fs (NM_001198551.2); c.421dup, p.Arg141fs (NM_001198552.2); c.-66dup (NM_001367854.1); c.1117dup, p.Arg373fs (NM_001407044.1); c.1123dup, p.Arg375fs (NM_001407046.1, NM_024424.5); c.1000dup, p.Arg334fs (NM_001407047.1); c.949dup, p.Arg317fs (NM_001407050.1); and 3 more; short protein forms R121fs, R141fs, R158fs, R285fs, R302fs, R317fs, R334fs, R358fs.
Identifiers: ClinVar variation 4866788 (VCV004866788.1).
Genomic context (GRCh38, chr11:32,396,397, plus strand): 5'-GGGCGTTTCTCACTGGTCTCAGATGCCGACCGTACAAGAGTCGGGGCTACTCCAGGCACA[C>CG]GTCGCACATCCTGCAGGCAGAGAGTAAGAGGAAGGGAGGCTTTAAGCCACATGTGAACAT-3'